The following is an entry in ClinVar:

NM_001035.3(RYR2):c.6906T>C (p.Leu2302=)

Gene: RYR2 (ryanodine receptor 2; plus strand). Cytogenetic location: 1q43.
Variant type: single nucleotide variant.
Coding change: c.6906T>C on transcript NM_001035.3 (MANE Select); coding-DNA position 6906, T replaced by C.
Protein change: p.Leu2302=; no amino-acid change (leucine 2302 retained).
Molecular consequence: synonymous variant.
Genome position (GRCh38, 1-based): chr1:237,638,470, T>C. VCF-style: chr1-237638470-T-C. GRCh37 (hg19) VCF-style: chr1-237801770-T-C.
Other names: p.Leu2302=.
Identifiers: ClinVar variation 43819 (VCV000043819.41), dbSNP rs707189, ClinGen allele CA010376.

ClinVar aggregate classification (germline): Benign. Review status: criteria provided, multiple submitters, no conflicts (2 of 4 stars). 19 submissions from 16 submitters: Benign (17). 2 of the submissions do not count toward it. Last evaluated 2026-02-04.

Conditions:
Cardiac arrhythmia. Also called: Arrhythmia; Cardiac rhythm disease. Identifiers: MedGen C0003811, MONDO:0007263, HP:0011675.
Cardiovascular phenotype. Identifiers: MedGen CN230736.
Cardiomyopathy (CMYO). Also called: Cardiomyopathies. Identifiers: Orphanet 167848, MedGen C0878544, MONDO:0004994, HP:0001638. Inheritance: Various modes of inheritance.
Catecholaminergic polymorphic ventricular tachycardia 1. Also called: VENTRICULAR TACHYCARDIA, CATECHOLAMINERGIC POLYMORPHIC, 1, WITH OR WITHOUT ATRIAL DYSFUNCTION AND/OR DILATED CARDIOMYOPATHY; VENTRICULAR TACHYCARDIA, STRESS-INDUCED POLYMORPHIC 1; RYR2-Related Catecholaminergic Polymorphic Ventricular Tachycardia. Identifiers: Orphanet 3286, MedGen C1631597, MONDO:0011484, OMIM 604772.
Arrhythmogenic right ventricular dysplasia 2. Identifiers: MedGen C1832931.
Catecholaminergic polymorphic ventricular tachycardia (CVPT). Also called: Catecholamine-induced polymorphic ventricular tachycardia. Identifiers: Orphanet 3286, MedGen C5574922, MONDO:0017990.

Allele frequency attached by ClinVar (database versions not stated): 1000 Genomes Project 30x 0.95222; 1000 Genomes Project 0.95487; TOPMed 0.95859; ESP Exome Variant Server 0.95921; gnomAD 0.96110 and 0.96361; ExAC 0.98839; gnomAD exomes 0.99064 and 0.99647.
gnomAD v4.1: 1,602,993 of 1,613,928 alleles (99%); highest among the groups gnomAD compares: East Asian, 100%; 796,679 homozygotes.

Submissions (19):

Labcorp Genetics (formerly Invitae), Labcorp
Classification: Benign for Catecholaminergic polymorphic ventricular tachycardia 1. Last evaluated: 2026-02-04. Review status: criteria provided, single submitter. Criteria: Invitae Variant Classification Sherloc (09022015). Collection method: clinical testing. Allele origin: germline.

Molecular Diagnostic Laboratory for Inherited Cardiovascular Disease, Montreal Heart Institute
Classification: Benign. Last evaluated: 2025-04-09. Review status: criteria provided, single submitter. Criteria: ACMG Guidelines, 2015. Collection method: clinical testing. Allele origin: germline. Affected: no.

Blueprint Genetics
Classification: Benign. Last evaluated: 2024-11-26. Review status: criteria provided, single submitter. Criteria: ACMG Guidelines, 2015. Collection method: clinical testing. Allele origin: germline.

All of Us Research Program, National Institutes of Health
Classification: Benign for Catecholaminergic polymorphic ventricular tachycardia. Last evaluated: 2024-02-05. Review status: criteria provided, single submitter. Criteria: ACMG Guidelines, 2015. Collection method: clinical testing. Allele origin: germline. Inheritance: Autosomal dominant inheritance. Observed: 106,337 variant alleles, 2,009 heterozygotes, 104,328 homozygotes.
Comment: This study involves interpretation of variants in research participants for the purpose of population health screening. Participant phenotype was not available at the time of variant classification. Additional details can be found in publication PMID: 35346344, PMCID: PMC8962531

Genome-Nilou Lab
Classification: Benign for Catecholaminergic polymorphic ventricular tachycardia 1. Last evaluated: 2021-11-07. Review status: criteria provided, single submitter. Criteria: ACMG Guidelines, 2015. Collection method: clinical testing. Allele origin: germline. Affected: no.

Genome-Nilou Lab
Classification: Benign for Ventricular arrhythmias due to cardiac ryanodine receptor calcium release deficiency syndrome. Last evaluated: 2021-11-07. Review status: criteria provided, single submitter. Criteria: ACMG Guidelines, 2015. Collection method: clinical testing. Allele origin: germline. Affected: no.

Genome-Nilou Lab
Classification: Benign for Catecholaminergic polymorphic ventricular tachycardia 1. Last evaluated: 2021-11-07. Review status: criteria provided, single submitter. Criteria: ACMG Guidelines, 2015. Collection method: clinical testing. Allele origin: germline. Affected: no.

Color Diagnostics, LLC DBA Color Health
Classification: Benign for Cardiomyopathy. Last evaluated: 2018-03-15. Review status: criteria provided, single submitter. Criteria: ACMG Guidelines, 2015. Collection method: clinical testing. Allele origin: germline.

Illumina Laboratory Services, Illumina
Classification: Benign for Catecholaminergic polymorphic ventricular tachycardia 1. Last evaluated: 2018-01-13. Review status: criteria provided, single submitter. Criteria: ICSL Variant Classification Criteria 13 December 2019. Collection method: clinical testing. Allele origin: germline.
Comment: This variant was observed in the ICSL laboratory as part of a predisposition screen in an ostensibly healthy population. It had not been previously curated by ICSL or reported in the Human Gene Mutation Database (HGMD: prior to June 1st, 2018), and was therefore a candidate for classification through an automated scoring system. Utilizing variant allele frequency, disease prevalence and penetrance estimates, and inheritance mode, an automated score was calculated to assess if this variant is too frequent to cause the disease. Based on the score and internal cut-off values, a variant classified as benign is not then subjected to further curation. The score for this variant resulted in a classification of benign for this disease.

Illumina Laboratory Services, Illumina
Classification: Benign for Catecholaminergic polymorphic ventricular tachycardia 1. Last evaluated: 2018-01-13. Review status: criteria provided, single submitter. Criteria: ICSL Variant Classification Criteria 13 December 2019. Collection method: clinical testing. Allele origin: germline.
Comment: the same text as in the submission from Illumina Laboratory Services, Illumina above.

Ambry Genetics
Classification: Benign for Cardiovascular phenotype. Last evaluated: 2015-03-09. Review status: criteria provided, single submitter. Criteria: Ambry Variant Classification Scheme 2023. Collection method: clinical testing. Allele origin: germline.

GeneDx
Classification: Benign. Last evaluated: 2015-03-03. Review status: criteria provided, single submitter. Criteria: GeneDx Variant Classification Process June 2021. Collection method: clinical testing. Allele origin: germline. Affected: yes.

Eurofins Ntd Llc (ga)
Classification: Benign. Last evaluated: 2014-09-08. Review status: criteria provided, single submitter. Criteria: EGL Classification Definitions 2015. Collection method: clinical testing. Allele origin: germline. Observed: 3 variant alleles, 3 homozygotes.

Mayo Clinic Laboratories, Mayo Clinic
Classification: Benign. Last evaluated: 2014-03-07. Review status: criteria provided, single submitter. Criteria: ACMG Guidelines, 2015. Collection method: clinical testing. Allele origin: germline. Observed: 1,305 variant alleles.

Laboratory for Molecular Medicine, Mass General Brigham Personalized Medicine
Classification: Benign. Last evaluated: 2011-09-16. Review status: criteria provided, single submitter. Criteria: LMM Criteria. Collection method: clinical testing. Allele origin: germline. Observed: 1,803 variant alleles.

Breakthrough Genomics
Classification: Benign. Review status: criteria provided, single submitter. Criteria: ACMG Guidelines, 2015. Collection method: not provided. Allele origin: germline. Inheritance: Autosomal dominant inheritance. Affected: yes.

PreventionGenetics, part of Exact Sciences
Classification: Benign. Review status: criteria provided, single submitter. Criteria: ACMG Guidelines, 2015. Collection method: clinical testing. Allele origin: germline.

Clinical Genetics, Academic Medical Center
Classification: Benign. Review status: no assertion criteria provided. Collection method: clinical testing. Allele origin: germline. Affected: yes. Study: VKGL Data-share Consensus. Not counted in ClinVar's aggregate classification.

Diagnostic Laboratory, Department of Genetics, University Medical Center Groningen
Classification: Benign. Review status: no assertion criteria provided. Collection method: clinical testing. Allele origin: germline. Affected: yes. Study: VKGL Data-share Consensus. Not counted in ClinVar's aggregate classification.